The following is an entry in ClinVar:

NM_001174147.2(LMX1B):c.611G>A (p.Ser204Asn)

Gene: LMX1B (LIM homeobox transcription factor 1 beta; plus strand). Cytogenetic location: 9q33.3.
Variant type: single nucleotide variant.
Coding change: c.611G>A on transcript NM_001174147.2 (MANE Select); coding-DNA position 611, G replaced by A.
Protein change: p.Ser204Asn; replaces serine 204 with asparagine.
Molecular consequence: missense variant.
Genome position (GRCh38, 1-based): chr9:126,693,193, G>A. VCF-style: chr9-126693193-G-A. GRCh37 (hg19) VCF-style: chr9-129455472-G-A.
Other names: c.611G>A, p.Ser204Asn (NM_001174146.2, NM_002316.4); short protein forms S204N.
Identifiers: ClinVar variation 3596444 (VCV003596444.2).

ClinVar aggregate classification (germline): Uncertain significance. Review status: criteria provided, multiple submitters, no conflicts (2 of 4 stars). 2 submissions from 2 submitters: Uncertain significance (2). Last evaluated 2025-08-18.

Conditions:
Nail-patella-like renal disease. Also called: Focal Segmental Glomerulosclerosis 10; GLOMERULAR BASEMENT MEMBRANE DISEASE, NAIL-PATELLA SYNDROME TYPE. Identifiers: Orphanet 2613, MedGen C0403548, MONDO:0009724, OMIM 256020.
Nail-patella syndrome (NPS). Also called: TURNER-KIESER SYNDROME; FONG DISEASE; ONYCHOOSTEODYSPLASIA. Identifiers: Orphanet 2614, MedGen C0027341, MONDO:0008061, OMIM 161200.

Submissions (2):

Labcorp Genetics (formerly Invitae), Labcorp
Classification: Uncertain significance. Last evaluated: 2025-08-18. Review status: criteria provided, single submitter. Criteria: Invitae Variant Classification Sherloc (09022015). Collection method: clinical testing. Allele origin: germline.
Comment: This sequence change replaces serine, which is neutral and polar, with asparagine, which is neutral and polar, at codon 204 of the LMX1B protein (p.Ser204Asn). This variant is not present in population databases (gnomAD no frequency). This variant has not been reported in the literature in individuals affected with LMX1B-related conditions. ClinVar contains an entry for this variant (Variation ID: 3596444). An algorithm developed to predict the effect of missense changes on protein structure and function outputs the following: PolyPhen-2: "Benign". The asparagine amino acid residue is found in multiple mammalian species, which suggests that this missense change does not adversely affect protein function. In summary, the available evidence is currently insufficient to determine the role of this variant in disease. Therefore, it has been classified as a Variant of Uncertain Significance.

Fulgent Genetics
Classification: Uncertain significance for Nail-patella syndrome; Nail-patella-like renal disease. Last evaluated: 2024-02-19. Review status: criteria provided, single submitter. Criteria: ACMG Guidelines, 2015. Collection method: clinical testing. Allele origin: germline.